The following is an entry in ClinVar:

NM_001042492.3(NF1):c.7039A>C (p.Ser2347Arg)

Gene: NF1 (neurofibromin 1; plus strand). Cytogenetic location: 17q11.2.
Variant type: single nucleotide variant.
Coding change: c.7039A>C on transcript NM_001042492.3 (MANE Select); coding-DNA position 7039, A replaced by C.
Protein change: p.Ser2347Arg; replaces serine 2347 with arginine.
Molecular consequence: missense variant.
Genome position (GRCh38, 1-based): chr17:31,340,622, A>C. VCF-style: chr17-31340622-A-C. GRCh37 (hg19) VCF-style: chr17-29667640-A-C.
Other names: c.6976A>C, p.Ser2326Arg (NM_000267.4); short protein forms S2347R, S2326R.
Identifiers: ClinVar variation 3879016 (VCV003879016.1).
Genomic context (GRCh38, chr17:31,340,622, plus strand): 5'-GAGGTCAACTTGTATTCAGCAGGTACCGCACTTCTTGAACAAAACCTGCATACTTTAGAT[A>C]GTCTCCGTATATTCAATGACAAGGTAAGCAAACTTTGCCTTGAGGTTCCTAGATTACTCA-3'
Protein context (NP_001035957.1, residues 2337-2357): LLEQNLHTLD[Ser2347Arg]LRIFNDKSPE

ClinVar aggregate classification (germline): Uncertain significance (1 of 4 stars; one submission).

Conditions:
Cardiovascular phenotype. Identifiers: MedGen CN230736.
Hereditary cancer-predisposing syndrome. Also called: Tumor predisposition; Neoplastic Syndromes, Hereditary; Hereditary Cancer Syndrome; Hereditary neoplastic syndrome. Identifiers: Orphanet 140162, MedGen C0027672, MeSH D009386, MONDO:0015356.

Submission:

Ambry Genetics
Classification: Uncertain significance for Cardiovascular phenotype; Hereditary cancer-predisposing syndrome. Last evaluated: 2024-12-20. Review status: criteria provided, single submitter. Criteria: Ambry Variant Classification Scheme 2023. Collection method: clinical testing. Allele origin: germline.
Comment: The p.S2326R variant (also known as c.6976A>C), located in coding exon 46 of the NF1 gene, results from an A to C substitution at nucleotide position 6976. The serine at codon 2326 is replaced by arginine, an amino acid with dissimilar properties. This amino acid position is conserved. In addition, the in silico prediction for this alteration is inconclusive. Based on the available evidence, the clinical significance of this variant remains unclear.